The following is an entry in ClinVar:

ClinVar aggregate classification (germline): Likely pathogenic (1 of 4 stars; one submission).

Conditions:
Intellectual developmental disorder with autistic features and language delay, with or without seizures. Identifiers: MedGen C5394447, MONDO:0030051, OMIM 618906.

Submission:

Molecular Genetics Department, Kulakov National Medical Research Center for Obstetrics, Gynecology and Perinatology
Classification: Likely pathogenic for Intellectual developmental disorder with autistic features and language delay, with or without seizures. Review status: criteria provided, single submitter. Criteria: ACMG Guidelines, 2015. Collection method: clinical testing. Allele origin: germline. Affected: yes. Observed: 1 variant allele.
Comment: A previously undescribed heterozygous nucleotide variant creates a frameshift p.Ser805AlafsTer6 in the TANC2 gene. Heterozygous variants, including loss-of-function variants are reported in patients with intellectual developmental disorder with autistic features and language delay, with or without seizures, 618906. The variant is not present in population database (gnomAD no frequency). In summary, the currently available evidence indicates that the variant is pathogenic, but additional data are needed to prove that conclusively. Therefore, this variant has been classified as likely pathogenic.

NM_001394998.1(TANC2):c.2413del (p.Ser805fs)

Gene: TANC2 (tetratricopeptide repeat, ankyrin repeat and coiled-coil containing 2; plus strand). Cytogenetic location: 17q23.3.
Variant type: Deletion.
Coding change: c.2413del on transcript NM_001394998.1 (MANE Select); coding-DNA position 2413, one base deleted (A; older notation c.2413delA).
Protein change: p.Ser805fs; shifts the reading frame from serine 805.
Molecular consequence: frameshift variant.
Genome position (GRCh38, 1-based): chr17:63,355,221, A deleted. VCF-style (leftmost placement, unchanged base first): chr17-63355220-GA-G. GRCh37 (hg19) VCF-style: chr17-61432581-GA-G.
Other names: c.2191del, p.Ser731fs (NM_001411076.1, NM_025185.4); short protein forms S805fs, S731fs.
Identifiers: ClinVar variation 4294473 (VCV004294473.1).